The following is an entry in ClinVar:

ClinVar aggregate classification (germline): Conflicting classifications of pathogenicity. Review status: criteria provided, conflicting classifications (1 of 4 stars). 2 submissions from 2 submitters: Uncertain significance (1); Likely benign (1). Last evaluated 2025-04-03.

Conditions:
Inborn genetic diseases. Identifiers: MedGen C0950123, MeSH D030342.

Allele frequency attached by ClinVar (database versions not stated): gnomAD exomes 0.00001.
gnomAD v4.1: 2 of 1,614,090 alleles (0.00012%); highest among the groups gnomAD compares: Admixed American, 0.0033%; no homozygotes.

Submissions (2):

Ambry Genetics
Classification: Likely benign for Inborn genetic diseases. Last evaluated: 2025-04-03. Review status: criteria provided, single submitter. Criteria: Ambry Variant Classification Scheme 2023. Collection method: clinical testing. Allele origin: germline.

Labcorp Genetics (formerly Invitae), Labcorp
Classification: Uncertain significance. Last evaluated: 2023-04-09. Review status: criteria provided, single submitter. Criteria: Invitae Variant Classification Sherloc (09022015). Collection method: clinical testing. Allele origin: germline.
Comment: This sequence change replaces valine, which is neutral and non-polar, with isoleucine, which is neutral and non-polar, at codon 2230 of the KMT2A protein (p.Val2230Ile). This variant is present in population databases (no rsID available, gnomAD 0.009%). This variant has not been reported in the literature in individuals affected with KMT2A-related conditions. ClinVar contains an entry for this variant (Variation ID: 1450065). Advanced modeling of protein sequence and biophysical properties (such as structural, functional, and spatial information, amino acid conservation, physicochemical variation, residue mobility, and thermodynamic stability) performed at Invitae indicates that this missense variant is not expected to disrupt KMT2A protein function. In summary, the available evidence is currently insufficient to determine the role of this variant in disease. Therefore, it has been classified as a Variant of Uncertain Significance.

NM_001197104.2(KMT2A):c.6688G>A (p.Val2230Ile)

Gene: KMT2A (lysine methyltransferase 2A; plus strand). Cytogenetic location: 11q23.3.
Variant type: single nucleotide variant.
Coding change: c.6688G>A on transcript NM_001197104.2 (MANE Select); coding-DNA position 6688, G replaced by A.
Protein change: p.Val2230Ile; replaces valine 2230 with isoleucine.
Molecular consequence: missense variant.
Genome position (GRCh38, 1-based): chr11:118,502,580, G>A. VCF-style: chr11-118502580-G-A. GRCh37 (hg19) VCF-style: chr11-118373295-G-A.
Other names: c.6679G>A, p.Val2227Ile (NM_005933.4); c.6688G>A (NM_001197104.1); short protein forms V2230I, V2227I.
Identifiers: ClinVar variation 1450065 (VCV001450065.7), dbSNP rs1555046094, ClinGen allele CA382802691.
Genomic context (GRCh38, chr11:118,502,580, plus strand): 5'-CTCCGGATAATGTCTCCAATGAGAACTGGGAATACTTACTCTAGGAATAATGTTTCCTCA[G>A]TCTCCACCACCGGGACCGCTACTGATCTTGAATCAAGTGCCAAAGTAGTTGATCATGTCT-3'
Protein context (NP_001184033.1, residues 2220-2240): NTYSRNNVSS[Val2230Ile]STTGTATDLE